The following is an entry in ClinVar:

ClinVar aggregate classification (germline): Uncertain significance (1 of 4 stars; one submission).

Conditions:
Hereditary cancer-predisposing syndrome. Also called: Neoplastic Syndromes, Hereditary; Tumor predisposition; Hereditary Cancer Syndrome; Hereditary neoplastic syndrome. Identifiers: Orphanet 140162, MedGen C0027672, MeSH D009386, MONDO:0015356.

Submission:

Ambry Genetics
Classification: Uncertain significance for Hereditary cancer-predisposing syndrome. Last evaluated: 2022-01-31. Review status: criteria provided, single submitter. Criteria: Ambry Variant Classification Scheme 2023. Collection method: clinical testing. Allele origin: germline.
Comment: The p.E415D variant (also known as c.1245A>T), located in coding exon 8 of the MSH3 gene, results from an A to T substitution at nucleotide position 1245. The glutamic acid at codon 415 is replaced by aspartic acid, an amino acid with highly similar properties. This amino acid position is conserved. In addition, the in silico prediction for this alteration is inconclusive. Since supporting evidence is limited at this time, the clinical significance of this alteration remains unclear.

NM_002439.5(MSH3):c.1245A>T (p.Glu415Asp)

Gene: MSH3 (mutS homolog 3; plus strand). Cytogenetic location: 5q14.1.
Variant type: single nucleotide variant.
Coding change: c.1245A>T on transcript NM_002439.5 (MANE Select); coding-DNA position 1245, A replaced by T.
Protein change: p.Glu415Asp; replaces glutamic acid 415 with aspartic acid.
Molecular consequence: missense variant.
Genome position (GRCh38, 1-based): chr5:80,678,998, A>T. VCF-style: chr5-80678998-A-T. GRCh37 (hg19) VCF-style: chr5-79974817-A-T.
Other names: short protein forms E415D.
Identifiers: ClinVar variation 1759264 (VCV001759264.2), dbSNP rs2546726602, ClinGen allele CA360268965.